The following is an entry in ClinVar:

NM_003024.3(ITSN1):c.1682_1683delinsCA (p.His561Pro)

Gene: ITSN1 (intersectin 1; plus strand). Cytogenetic location: 21q22.11.
Variant type: Indel.
Coding change: c.1682_1683delinsCA on transcript NM_003024.3 (MANE Select); coding-DNA positions 1682 to 1683, AC replaced by CA.
Protein change: p.His561Pro; replaces histidine 561 with proline.
Molecular consequence: missense variant.
Genome position (GRCh38, 1-based): chr21:33,781,546-33,781,547, AC replaced by CA. VCF-style: chr21-33781546-AC-CA. GRCh37 (hg19) VCF-style: chr21-35153850-AC-CA.
Other names: c.1682_1683delinsCA, p.His561Pro (NM_001001132.2, NM_001331008.2, NM_001331009.2 and 2 more transcripts); c.1571_1572delinsCA, p.His524Pro (NM_001331012.2); short protein forms H524P, H561P.
Identifiers: ClinVar variation 4077336 (VCV004077336.1).

ClinVar aggregate classification (germline): Uncertain significance (1 of 4 stars; one submission).

Submission:

GeneDx
Classification: Uncertain significance. Last evaluated: 2025-02-26. Review status: criteria provided, single submitter. Criteria: GeneDx Variant Classification Process June 2021. Collection method: clinical testing. Allele origin: germline. Affected: yes.
Comment: Not observed at significant frequency in large population cohorts (gnomAD); In silico analysis supports a deleterious effect on protein structure/function; Has not been previously published as pathogenic or benign to our knowledge